The following is an entry in ClinVar:

ClinVar aggregate classification (germline): Uncertain significance (1 of 4 stars; one submission).

Conditions:
Familial cancer of breast. Also called: hereditary breast carcinoma; BREAST CANCER, FAMILIAL; Hereditary breast cancer. Identifiers: Orphanet 227535, MedGen C0346153, MONDO:0016419, OMIM 114480. Disease mechanism: loss of function.

Submission:

Labcorp Genetics (formerly Invitae), Labcorp
Classification: Uncertain significance for Familial cancer of breast. Last evaluated: 2023-02-01. Review status: criteria provided, single submitter. Criteria: Invitae Variant Classification Sherloc (09022015). Collection method: clinical testing. Allele origin: germline.
Comment: This sequence change replaces asparagine, which is neutral and polar, with aspartic acid, which is acidic and polar, at codon 504 of the BARD1 protein (p.Asn504Asp). This variant is not present in population databases (gnomAD no frequency). This variant has not been reported in the literature in individuals affected with BARD1-related conditions. Algorithms developed to predict the effect of missense changes on protein structure and function are either unavailable or do not agree on the potential impact of this missense change (SIFT: "Deleterious"; PolyPhen-2: "Probably Damaging"; Align-GVGD: "Class C0"). In summary, the available evidence is currently insufficient to determine the role of this variant in disease. Therefore, it has been classified as a Variant of Uncertain Significance.

NM_000465.4(BARD1):c.1510A>G (p.Asn504Asp)

Gene: BARD1 (BRCA1 associated RING domain 1; minus strand). Cytogenetic location: 2q35.
Variant type: single nucleotide variant.
Coding change: c.1510A>G on transcript NM_000465.4 (MANE Select); coding-DNA position 1510, A replaced by G.
Protein change: p.Asn504Asp; replaces asparagine 504 with aspartic acid.
Molecular consequence: missense variant. On other transcripts: non-coding transcript variant (3), intron variant (3).
Genome position (GRCh38, 1-based): chr2:214,767,540, T>C on the plus strand (A>G on the coding strand, the complement: BARD1 is on the minus strand). VCF-style: chr2-214767540-T-C. GRCh37 (hg19) VCF-style: chr2-215632264-T-C.
Other names: c.1453A>G, p.Asn485Asp (NM_001282543.2); c.159-14985A>G (NM_001282548.2); c.216-14985A>G (NM_001282545.2); c.364+24757A>G (NM_001282549.2); short protein forms N504D, N485D.
Identifiers: ClinVar variation 2833376 (VCV002833376.3), dbSNP rs1167955031, ClinGen allele CA350448314.